The following is an entry in ClinVar:

NM_005527.4(HSPA1L):c.1221G>A (p.Thr407=)

Gene: HSPA1L (heat shock protein family A (Hsp70) member 1 like; minus strand). Cytogenetic location: 6p21.33.
Variant type: single nucleotide variant.
Coding change: c.1221G>A on transcript NM_005527.4 (MANE Select); coding-DNA position 1221, G replaced by A.
Protein change: p.Thr407=; no amino-acid change (threonine 407 retained).
Molecular consequence: synonymous variant.
Genome position (GRCh38, 1-based): chr6:31,810,752, C>T on the plus strand (G>A on the coding strand, the complement: HSPA1L is on the minus strand). VCF-style: chr6-31810752-C-T. GRCh37 (hg19) VCF-style: chr6-31778529-C-T.
Identifiers: ClinVar variation 3059212 (VCV003059212.2), dbSNP rs2075799, ClinGen allele CA3723944.

ClinVar aggregate classification (germline): Benign (0 of 4 stars; one submission).

Conditions:
HSPA1L-related disorder. Also called: HSPA1L-related condition.

Allele frequency attached by ClinVar (database versions not stated): ExAC 0.10146; ESP Exome Variant Server 0.12417; gnomAD 0.12633; TOPMed 0.14120; 1000 Genomes Project 0.15355; 1000 Genomes Project 30x 0.15553.

Submission:

PreventionGenetics, part of Exact Sciences
Classification: Benign for HSPA1L-related condition. Last evaluated: 2019-10-21. Review status: no assertion criteria provided. Collection method: clinical testing. Allele origin: germline.
Comment: This variant is classified as benign based on ACMG/AMP sequence variant interpretation guidelines (Richards et al. 2015 PMID: 25741868, with internal and published modifications).